The following is an entry in ClinVar:

ClinVar aggregate classification (germline): Pathogenic. Review status: criteria provided, multiple submitters, no conflicts (2 of 4 stars). 5 submissions from 5 submitters: Pathogenic (5). Last evaluated 2026-02-02.

Conditions:
Hereditary cancer-predisposing syndrome. Also called: Tumor predisposition; Hereditary Cancer Syndrome; Hereditary neoplastic syndrome; Neoplastic Syndromes, Hereditary. Identifiers: Orphanet 140162, MedGen C0027672, MeSH D009386, MONDO:0015356.
Hereditary pheochromocytoma and paraganglioma. Also called: Hereditary Paraganglioma-Pheochromocytoma Syndromes; Hereditary pheochromocytoma-paraganglioma; Hereditary paragangliomas and pheochromocytomas. Identifiers: Orphanet 29072, MedGen C4274332, MONDO:0017366.
Pheochromocytoma. Also called: MAX-Related Hereditary Paraganglioma-Pheochromocytoma Syndrome. Identifiers: Orphanet 29072, MedGen C0031511, MONDO:0008233, OMIM 171300, HP:0002666.

Submissions (5):

Myriad Genetics, Inc.
Classification: Pathogenic for Hereditary pheochromocytoma and paraganglioma. Last evaluated: 2026-02-02. Review status: criteria provided, single submitter. Criteria: Myriad Autosomal Dominant, Autosomal Recessive and X-Linked Classification Criteria (2023). Collection method: clinical testing. Allele origin: unknown.
Comment: This variant is considered pathogenic. This variant creates a frameshift predicted to result in premature protein truncation.

Labcorp Genetics (formerly Invitae), Labcorp
Classification: Pathogenic for Hereditary pheochromocytoma and paraganglioma. Last evaluated: 2025-10-23. Review status: criteria provided, single submitter. Criteria: Invitae Variant Classification Sherloc (09022015). Collection method: clinical testing. Allele origin: germline.
Comment: This sequence change creates a premature translational stop signal (p.Phe83Serfs*3) in the TMEM127 gene. It is expected to result in an absent or disrupted protein product. Loss-of-function variants in TMEM127 are known to be pathogenic (PMID: 20154675, 21156949). This variant is present in population databases (rs587781773, gnomAD 0.0009%). This variant has not been reported in the literature in individuals affected with TMEM127-related conditions. ClinVar contains an entry for this variant (Variation ID: 141471). For these reasons, this variant has been classified as Pathogenic.

Ambry Genetics
Classification: Pathogenic for Hereditary cancer-predisposing syndrome. Last evaluated: 2025-01-28. Review status: criteria provided, single submitter. Criteria: Ambry Variant Classification Scheme 2023. Collection method: clinical testing. Allele origin: germline.
Comment: The c.248delT pathogenic mutation, located in coding exon 2 of the TMEM127 gene, results from a deletion of one nucleotide at nucleotide position 248, causing a translational frameshift with a predicted alternate stop codon (p.F83Sfs*3). This mutation has been reported in an individual with pheochromocytoma and paraganglioma (Huang KL et al. Cell, 2018 04;173:355-370.e14). This variant is considered to be rare based on population cohorts in the Genome Aggregation Database (gnomAD). In addition to the clinical data presented in the literature, this alteration is expected to result in loss of function by premature protein truncation or nonsense-mediated mRNA decay. As such, this alteration is interpreted as a disease-causing mutation.

GeneDx
Classification: Pathogenic. Last evaluated: 2024-10-23. Review status: criteria provided, single submitter. Criteria: GeneDx Variant Classification Process June 2021. Collection method: clinical testing. Allele origin: germline. Affected: yes.
Comment: Frameshift variant predicted to result in protein truncation or nonsense mediated decay in a gene for which loss of function is a known mechanism of disease; Not observed at significant frequency in large population cohorts (gnomAD); Also known as c.505delA; p.F83X; This variant is associated with the following publications: (PMID: 28152038, 36451132, 29625052)

Baylor Genetics
Classification: Pathogenic for Pheochromocytoma. Last evaluated: 2023-10-18. Review status: criteria provided, single submitter. Criteria: ACMG Guidelines, 2015. Collection method: clinical testing. Allele origin: unknown.

Literature cited by the submitters: PubMed 20154675 (cited by Labcorp Genetics (formerly Invitae), Labcorp); PubMed 21156949 (cited by Labcorp Genetics (formerly Invitae), Labcorp); PubMed 29625052 (cited by Ambry Genetics).

NM_017849.4(TMEM127):c.248del (p.Phe83fs)

Gene: TMEM127 (transmembrane protein 127; minus strand). Cytogenetic location: 2q11.2.
Variant type: Deletion.
Coding change: c.248del on transcript NM_017849.4 (MANE Select); coding-DNA position 248, one base deleted (T; older notation c.248delT).
Protein change: p.Phe83fs; shifts the reading frame from phenylalanine 83.
Molecular consequence: frameshift variant.
Genome position (GRCh38, 1-based): chr2:96,254,994, A deleted on the plus strand (T on the coding strand, the reverse complement: TMEM127 is on the minus strand); the first of 3 consecutive A bases (chr2:96,254,994-96,254,996); deleting any one gives the same sequence. VCF-style (leftmost placement, unchanged base first): chr2-96254993-GA-G. GRCh37 (hg19) VCF-style: chr2-96920731-GA-G.
Other names: c.248delT (NM_017849.3); c.248del, p.Phe83fs (NM_001193304.3); short protein forms F83fs.
Identifiers: ClinVar variation 141471 (VCV000141471.17), dbSNP rs587781773, ClinGen allele CA165536.